The following is an entry in ClinVar:

ClinVar aggregate classification (germline): Uncertain significance (1 of 4 stars; one submission).

Allele frequency attached by ClinVar (database versions not stated): TOPMed below 0.00001; gnomAD 0.00001.
gnomAD v4.1: 1 of 1,611,986 alleles (0.000062%); highest among the groups gnomAD compares: African/African-American, 0.0013%; no homozygotes.

Submission:

Labcorp Genetics (formerly Invitae), Labcorp
Classification: Uncertain significance. Last evaluated: 2023-06-25. Review status: criteria provided, single submitter. Criteria: Invitae Variant Classification Sherloc (09022015). Collection method: clinical testing. Allele origin: germline.
Comment: In summary, the available evidence is currently insufficient to determine the role of this variant in disease. Therefore, it has been classified as a Variant of Uncertain Significance. Algorithms developed to predict the effect of sequence changes on RNA splicing suggest that this variant may disrupt the consensus splice site. This variant has not been reported in the literature in individuals affected with HMCN1-related conditions. This variant is not present in population databases (gnomAD no frequency). This sequence change falls in intron 43 of the HMCN1 gene. It does not directly change the encoded amino acid sequence of the HMCN1 protein.

NM_031935.3(HMCN1):c.6701-17T>G

Gene: HMCN1 (hemicentin 1; plus strand). Cytogenetic location: 1q31.1.
Variant type: single nucleotide variant.
Coding change: c.6701-17T>G on transcript NM_031935.3 (MANE Select); 17 bases into the intron before coding-DNA position 6701, T replaced by G.
Molecular consequence: intron variant.
Genome position (GRCh38, 1-based): chr1:186,053,808, T>G. VCF-style: chr1-186053808-T-G. GRCh37 (hg19) VCF-style: chr1-186022940-T-G.
Identifiers: ClinVar variation 2846741 (VCV002846741.3), dbSNP rs1657128061, ClinGen allele CA1010072073.
Genomic context (GRCh38, chr1:186,053,808, plus strand): 5'-CAAATGTCATACTTGGCAATGTATACAAAATGCTTTACATTTCTGCCTCATATTCTGCCA[T>G]TTGGACTTCTTTGTAGGCTCTCCAGTGCTGACTGATTCCATGGGGCGAGTTAGAATTTTA-3'